The following is an entry in ClinVar:

ClinVar aggregate classification (germline): Pathogenic (1 of 4 stars; one submission).

Conditions:
Early-infantile DEE. Also called: Ohtahara syndrome; Early infantile epileptic encephalopathy with suppression bursts; Early infantile epileptic encephalopathy. Identifiers: Orphanet 1934, MedGen C0393706, MONDO:0800491.

Submission:

Labcorp Genetics (formerly Invitae), Labcorp
Classification: Pathogenic for Early-infantile DEE. Last evaluated: 2020-12-30. Review status: criteria provided, single submitter. Criteria: Invitae Variant Classification Sherloc (09022015). Collection method: clinical testing. Allele origin: germline.
Comment: For these reasons, this variant has been classified as Pathogenic. Loss-of-function variants in SCN1A are known to be pathogenic (PMID: 17347258, 18930999). This variant has been observed in individual(s) with early onset severe epilepsy (PMID: 29720203). This variant is not present in population databases (ExAC no frequency). This sequence change creates a premature translational stop signal (p.Gln509*) in the SCN1A gene. It is expected to result in an absent or disrupted protein product.

Literature cited by the submitters: PubMed 17347258; PubMed 18930999; PubMed 29720203.

NM_001165963.4(SCN1A):c.1525C>T (p.Gln509Ter)

Gene: SCN1A (sodium voltage-gated channel alpha subunit 1; minus strand). Cytogenetic location: 2q24.3.
Variant type: single nucleotide variant.
Coding change: c.1525C>T on transcript NM_001165963.4 (MANE Select); coding-DNA position 1525, C replaced by T.
Protein change: p.Gln509Ter; replaces glutamine 509 with a stop codon.
Molecular consequence: nonsense. On other transcripts: 5 prime UTR variant (1), non-coding transcript variant (1).
Genome position (GRCh38, 1-based): chr2:166,045,180, G>A on the plus strand (C>T on the coding strand, the complement: SCN1A is on the minus strand). VCF-style: chr2-166045180-G-A. GRCh37 (hg19) VCF-style: chr2-166901690-G-A.
Other names: c.1525C>T, p.Gln509Ter (NM_001165964.3, NM_001202435.3, NM_001353948.2 and 7 more transcripts); c.1522C>T, p.Gln508Ter (NM_001353954.2, NM_001353955.2, NM_001353960.2); c.-901C>T (NM_001353961.2); short protein forms Q508*, Q509*.
Identifiers: ClinVar variation 1075775 (VCV001075775.10), dbSNP rs2105851315, ClinGen allele CA349069496.